The following is an entry in ClinVar:

NM_001040108.2(MLH3):c.3133C>G (p.Gln1045Glu)

Gene: MLH3 (mutL homolog 3; minus strand). Cytogenetic location: 14q24.3.
Variant type: single nucleotide variant.
Coding change: c.3133C>G on transcript NM_001040108.2 (MANE Select); coding-DNA position 3133, C replaced by G.
Protein change: p.Gln1045Glu; replaces glutamine 1045 with glutamic acid.
Molecular consequence: missense variant.
Genome position (GRCh38, 1-based): chr14:75,046,523, G>C on the plus strand (C>G on the coding strand, the complement: MLH3 is on the minus strand). VCF-style: chr14-75046523-G-C. GRCh37 (hg19) VCF-style: chr14-75513226-G-C.
Other names: c.3133C>G, p.Gln1045Glu (NM_014381.3); short protein forms Q1045E.
Identifiers: ClinVar variation 3706167 (VCV003706167.2).

ClinVar aggregate classification (germline): Uncertain significance (1 of 4 stars; one submission).

Conditions:
Colorectal cancer, hereditary nonpolyposis, type 7. Identifiers: Orphanet 144, MedGen C1858380, MONDO:0013725, OMIM 614385.

Submission:

Labcorp Genetics (formerly Invitae), Labcorp
Classification: Uncertain significance for Colorectal cancer, hereditary nonpolyposis, type 7. Last evaluated: 2024-12-02. Review status: criteria provided, single submitter. Criteria: Invitae Variant Classification Sherloc (09022015). Collection method: clinical testing. Allele origin: germline.
Comment: This sequence change replaces glutamine, which is neutral and polar, with glutamic acid, which is acidic and polar, at codon 1045 of the MLH3 protein (p.Gln1045Glu). This variant is not present in population databases (gnomAD no frequency). This variant has not been reported in the literature in individuals affected with MLH3-related conditions. An algorithm developed to predict the effect of missense changes on protein structure and function (PolyPhen-2) suggests that this variant is likely to be tolerated. In summary, the available evidence is currently insufficient to determine the role of this variant in disease. Therefore, it has been classified as a Variant of Uncertain Significance.